The following is an entry in ClinVar:

ClinVar aggregate classification (germline): Uncertain significance (1 of 4 stars; one submission).

gnomAD v4.1: 2 of 1,612,996 alleles (0.00012%); highest among the groups gnomAD compares: Non-Finnish European, 0.00017%; no homozygotes.

Submission:

Women's Health and Genetics/Laboratory Corporation of America, LabCorp
Classification: Uncertain significance. Last evaluated: 2025-10-08. Review status: criteria provided, single submitter. Criteria: LabCorp Variant Classification Summary - May 2015. Collection method: clinical testing. Allele origin: germline.
Comment: Variant summary: ANO5 c.2291C>T (p.Ala764Val) results in a non-conservative amino acid change in the encoded protein sequence. Algorithms developed to predict the effect of missense changes on protein structure and function are either unavailable or do not agree on the potential impact of this missense change. The variant allele was found at a frequency of 8e-06 in 251022 control chromosomes. The available data on variant occurrences in the general population are insufficient to allow any conclusion about variant significance. To our knowledge, no occurrence of c.2291C>T in individuals affected with ANO5-related conditions and no experimental evidence demonstrating its impact on protein function have been reported. No submitters have cited clinical-significance assessments for this variant to ClinVar. Based on the evidence outlined above, the variant was classified as uncertain significance.

NM_213599.3(ANO5):c.2291C>T (p.Ala764Val)

Gene: ANO5 (anoctamin 5; plus strand). Cytogenetic location: 11p14.3.
Variant type: single nucleotide variant.
Coding change: c.2291C>T on transcript NM_213599.3 (MANE Select); coding-DNA position 2291, C replaced by T.
Protein change: p.Ala764Val; replaces alanine 764 with valine.
Molecular consequence: missense variant.
Genome position (GRCh38, 1-based): chr11:22,274,624, C>T. VCF-style: chr11-22274624-C-T. GRCh37 (hg19) VCF-style: chr11-22296170-C-T.
Other names: c.2288C>T, p.Ala763Val (NM_001142649.2); c.2249C>T, p.Ala750Val (NM_001410963.1); c.2246C>T, p.Ala749Val (NM_001410964.1); c.2213C>T, p.Ala738Val (NM_001441294.1); c.2210C>T, p.Ala737Val (NM_001441295.1); c.2198C>T, p.Ala733Val (NM_001441296.1); c.2171C>T, p.Ala724Val (NM_001441297.1); c.2135C>T, p.Ala712Val (NM_001441298.1); and 4 more; short protein forms A602V, A618V, A619V, A711V, A712V, A724V, A733V, A737V.
Identifiers: ClinVar variation 4687448 (VCV004687448.1).